The following is an entry in ClinVar:

ClinVar aggregate classification (germline): Uncertain significance (1 of 4 stars; one submission).

Allele frequency attached by ClinVar (database versions not stated): gnomAD exomes below 0.00001.
gnomAD v4.1: 1 of 1,614,128 alleles (0.000062%); highest among the groups gnomAD compares: South Asian, 0.0011%; no homozygotes.

Submission:

Labcorp Genetics (formerly Invitae), Labcorp
Classification: Uncertain significance. Last evaluated: 2024-11-27. Review status: criteria provided, single submitter. Criteria: Invitae Variant Classification Sherloc (09022015). Collection method: clinical testing. Allele origin: germline.
Comment: This sequence change replaces arginine, which is basic and polar, with lysine, which is basic and polar, at codon 205 of the COL7A1 protein (p.Arg205Lys). This variant is not present in population databases (gnomAD no frequency). This variant has not been reported in the literature in individuals affected with COL7A1-related conditions. ClinVar contains an entry for this variant (Variation ID: 1963965). Invitae Evidence Modeling of protein sequence and biophysical properties (such as structural, functional, and spatial information, amino acid conservation, physicochemical variation, residue mobility, and thermodynamic stability) indicates that this missense variant is not expected to disrupt COL7A1 protein function with a negative predictive value of 95%. In summary, the available evidence is currently insufficient to determine the role of this variant in disease. Therefore, it has been classified as a Variant of Uncertain Significance.

NM_000094.4(COL7A1):c.614G>A (p.Arg205Lys)

Gene: COL7A1 (collagen type VII alpha 1 chain; minus strand). Cytogenetic location: 3p21.31.
Variant type: single nucleotide variant.
Coding change: c.614G>A on transcript NM_000094.4 (MANE Select); coding-DNA position 614, G replaced by A.
Protein change: p.Arg205Lys; replaces arginine 205 with lysine.
Molecular consequence: missense variant.
Genome position (GRCh38, 1-based): chr3:48,593,170, C>T on the plus strand (G>A on the coding strand, the complement: COL7A1 is on the minus strand). VCF-style: chr3-48593170-C-T. GRCh37 (hg19) VCF-style: chr3-48630603-C-T.
Other names: short protein forms R205K.
Identifiers: ClinVar variation 1963965 (VCV001963965.4), dbSNP rs2531342932, ClinGen allele CA352743334.